The following is an entry in ClinVar:

ClinVar aggregate classification (germline): Likely benign (1 of 4 stars; one submission).

Conditions:
EPHX1-related disorder. Also called: EPHX1-related condition.

gnomAD v4.1: 179 of 1,614,136 alleles (0.011%); highest among the groups gnomAD compares: Admixed American, 0.098%; no homozygotes.

Submission:

PreventionGenetics, part of Exact Sciences
Classification: Likely benign for EPHX1-related condition. Last evaluated: 2026-06-18. Review status: criteria provided, single submitter. Criteria: ACMG Guidelines, 2015. Collection method: clinical testing. Allele origin: germline.
Comment: This variant is classified as likely benign based on ACMG/AMP sequence variant interpretation guidelines (Richards et al. 2015 PMID: 25741868, with internal and published modifications).

NM_001136018.4(EPHX1):c.647G>A (p.Gly216Asp)

Gene: EPHX1 (epoxide hydrolase 1; plus strand). Cytogenetic location: 1q42.12.
Variant type: single nucleotide variant.
Coding change: c.647G>A on transcript NM_001136018.4 (MANE Select); coding-DNA position 647, G replaced by A.
Protein change: p.Gly216Asp; replaces glycine 216 with aspartic acid.
Molecular consequence: missense variant. On other transcripts: non-coding transcript variant (3), intron variant (1).
Genome position (GRCh38, 1-based): chr1:225,839,271, G>A. VCF-style: chr1-225839271-G-A. GRCh37 (hg19) VCF-style: chr1-226026972-G-A.
Other names: c.647G>A, p.Gly216Asp (NM_000120.4, NM_001291163.2, NM_001378426.1 and 3 more transcripts); c.620G>A, p.Gly207Asp (NM_001378428.1); c.419G>A, p.Gly140Asp (NM_001378431.1); c.365-3095G>A (NM_001378432.1); short protein forms G140D, G216D, G207D.
Identifiers: ClinVar variation 4979684 (VCV004979684.1).